The following is an entry in ClinVar:

NM_004863.4(SPTLC2):c.*397G>T

Gene: SPTLC2 (serine palmitoyltransferase long chain base subunit 2; minus strand). Cytogenetic location: 14q24.3.
Variant type: single nucleotide variant.
Coding change: c.*397G>T on transcript NM_004863.4 (MANE Select); 397 bases downstream of the stop codon, G replaced by T.
Molecular consequence: 3 prime UTR variant.
Genome position (GRCh38, 1-based): chr14:77,511,887, C>A on the plus strand (G>T on the coding strand, the complement: SPTLC2 is on the minus strand). VCF-style: chr14-77511887-C-A. GRCh37 (hg19) VCF-style: chr14-77978230-C-A.
Identifiers: ClinVar variation 314657 (VCV000314657.5), dbSNP rs140766311, ClinGen allele CA10635440.
Genomic context (GRCh38, chr14:77,511,887, plus strand): 5'-ACCTGGATGGGAAGTAAGTGGAAGGCACTTGCTCCCTAGGGAGGAGGGCCAGGTAAGTAT[C>A]CAGGCTGCGGAGCCAGGGCCAGCAGTAGCTCTTGATGGGCCCAAGTCTGCAAGGTGCTGG-3'

ClinVar aggregate classification (germline): Benign (1 of 4 stars; one submission).

Conditions:
Neuropathy, hereditary sensory and autonomic, type 1C. Also called: HSAN IC; HSN IC. Identifiers: Orphanet 36386, MedGen C3150896, MONDO:0013337, OMIM 613640.

Allele frequency attached by ClinVar (database versions not stated): gnomAD exomes 0.00047; 1000 Genomes Project 0.00399; gnomAD 0.00405 and 0.00442; 1000 Genomes Project 30x 0.00453; TOPMed 0.00467.
gnomAD v4.1: 671 of 280,952 alleles (0.24%); highest among the groups gnomAD compares: African/African-American, 1.4%; 2 homozygotes.

Submission:

Illumina Laboratory Services, Illumina
Classification: Benign for Neuropathy, hereditary sensory and autonomic, type 1C. Last evaluated: 2018-01-13. Review status: criteria provided, single submitter. Criteria: ICSL Variant Classification Criteria 13 December 2019. Collection method: clinical testing. Allele origin: germline.
Comment: This variant was observed in the ICSL laboratory as part of a predisposition screen in an ostensibly healthy population. It had not been previously curated by ICSL or reported in the Human Gene Mutation Database (HGMD: prior to June 1st, 2018), and was therefore a candidate for classification through an automated scoring system. Utilizing variant allele frequency, disease prevalence and penetrance estimates, and inheritance mode, an automated score was calculated to assess if this variant is too frequent to cause the disease. Based on the score and internal cut-off values, a variant classified as benign is not then subjected to further curation. The score for this variant resulted in a classification of benign for this disease.